The following is an entry in ClinVar:

NM_015175.3(NBEAL2):c.5301G>A (p.Gln1767=)

Gene: NBEAL2 (neurobeachin like 2; plus strand). Cytogenetic location: 3p21.31.
Variant type: single nucleotide variant.
Coding change: c.5301G>A on transcript NM_015175.3 (MANE Select); coding-DNA position 5301, G replaced by A.
Protein change: p.Gln1767=; no amino-acid change (glutamine 1767 retained).
Molecular consequence: synonymous variant.
Genome position (GRCh38, 1-based): chr3:47,002,520, G>A. VCF-style: chr3-47002520-G-A. GRCh37 (hg19) VCF-style: chr3-47044010-G-A.
Other names: c.5199G>A, p.Gln1733= (NM_001365116.2).
Identifiers: ClinVar variation 4993565 (VCV004993565.1).

ClinVar aggregate classification (germline): Uncertain significance (1 of 4 stars; one submission).

Conditions:
NBEAL2-related disorder. Also called: NBEAL2-related condition.

Submission:

PreventionGenetics, part of Exact Sciences
Classification: Uncertain significance for NBEAL2-related condition. Last evaluated: 2025-12-11. Review status: criteria provided, single submitter. Criteria: ACMG Guidelines, 2015. Collection method: clinical testing. Allele origin: germline.
Comment: The NBEAL2 c.5301G>A variant is not predicted to result in an amino acid change (p.=). This variant is predicted to impact splicing based on available splicing prediction programs (SpliceAI, Jaganathan et al. 2019. PubMed ID: 30661751). To our knowledge, this variant has not been reported in the literature or in a large population database (gnomAD), indicating this variant is rare. At this time, the clinical significance of this variant is uncertain due to the absence of conclusive functional and genetic evidence.